The following is an entry in ClinVar:

NM_013352.4(DSE):c.2213A>G (p.Tyr738Cys)

Gene: DSE (dermatan sulfate epimerase; plus strand). Cytogenetic location: 6q22.1.
Variant type: single nucleotide variant.
Coding change: c.2213A>G on transcript NM_013352.4 (MANE Select); coding-DNA position 2213, A replaced by G.
Protein change: p.Tyr738Cys; replaces tyrosine 738 with cysteine.
Molecular consequence: missense variant. On other transcripts: 3 prime UTR variant (2), non-coding transcript variant (1).
Genome position (GRCh38, 1-based): chr6:116,436,681, A>G. VCF-style: chr6-116436681-A-G. GRCh37 (hg19) VCF-style: chr6-116757844-A-G.
Other names: p.Tyr738Cys; c.2213A>G (NM_013352.2); c.2213A>G, p.Tyr738Cys (NM_001080976.3, NM_001322937.2, NM_001322938.2); c.2270A>G, p.Tyr757Cys (NM_001322939.2); c.1652A>G, p.Tyr551Cys (NM_001322940.2, NM_001322941.2); c.*1078A>G (NM_001322943.2, NM_001322944.2); c.1214A>G, p.Tyr405Cys (NM_001374520.1); c.1178A>G, p.Tyr393Cys (NM_001374521.1); short protein forms Y393C, Y551C, Y757C, Y405C, Y738C.
Identifiers: ClinVar variation 2172142 (VCV002172142.5), dbSNP rs917359394, ClinGen allele CA145886587.

ClinVar aggregate classification (germline): Uncertain significance. Review status: criteria provided, multiple submitters, no conflicts (2 of 4 stars). 3 submissions from 3 submitters: Uncertain significance (3). Last evaluated 2025-07-29.

Conditions:
Ehlers-Danlos syndrome, musculocontractural type 2 (EDSMC2). Identifiers: Orphanet 2953, MedGen C3809845, MONDO:0014236, OMIM 615539.
Inborn genetic diseases. Identifiers: MedGen C0950123, MeSH D030342.

Allele frequency attached by ClinVar (database versions not stated): gnomAD exomes 0.00001; TOPMed 0.00003; gnomAD 0.00003.
gnomAD v4.1: 24 of 1,614,084 alleles (0.0015%); highest among the groups gnomAD compares: East Asian, 0.0089%; no homozygotes.

Submissions (3):

Mayo Clinic Laboratories, Mayo Clinic
Classification: Uncertain significance. Last evaluated: 2025-07-29. Review status: criteria provided, single submitter. Criteria: ACMG Guidelines, 2015. Collection method: clinical testing. Allele origin: germline. Observed: 1 variant allele.
Comment: PM2_supporting

Ambry Genetics
Classification: Uncertain significance for Inborn genetic diseases. Last evaluated: 2023-12-22. Review status: criteria provided, single submitter. Criteria: Ambry Variant Classification Scheme 2023. Collection method: clinical testing. Allele origin: germline.

Labcorp Genetics (formerly Invitae), Labcorp
Classification: Uncertain significance for Ehlers-Danlos syndrome, musculocontractural type 2. Last evaluated: 2021-12-08. Review status: criteria provided, single submitter. Criteria: Invitae Variant Classification Sherloc (09022015). Collection method: clinical testing. Allele origin: germline.
Comment: In summary, the available evidence is currently insufficient to determine the role of this variant in disease. Therefore, it has been classified as a Variant of Uncertain Significance. Algorithms developed to predict the effect of missense changes on protein structure and function are either unavailable or do not agree on the potential impact of this missense change (SIFT: "Not Available"; PolyPhen-2: "Possibly Damaging"; Align-GVGD: "Not Available"). This variant has not been reported in the literature in individuals affected with DSE-related conditions. This variant is present in population databases (no rsID available, gnomAD 0.003%). This sequence change replaces tyrosine, which is neutral and polar, with cysteine, which is neutral and slightly polar, at codon 738 of the DSE protein (p.Tyr738Cys).